The following is an entry in ClinVar:

NM_001110354.2(ZP3):c.499GAG[1] (p.Glu168del)

Gene: ZP3 (zona pellucida glycoprotein 3; plus strand). Cytogenetic location: 7q11.23.
Variant type: Microsatellite.
Coding change: c.499GAG[1] on transcript NM_001110354.2 (MANE Select); one copy of the 3-base unit GAG starting at c.499; the reference has two copies in a row; one copy, 3 bases deleted; also written c.502_504del.
Protein change: p.Glu168del; deletes glutamic acid 168.
Molecular consequence: inframe deletion.
Genome position (GRCh38, 1-based): chr7:76,432,997-76,432,999, GAG deleted; deleting any 3 consecutive bases within chr7:76,432,994-76,432,999 gives the same sequence; the position shown is the placement nearest the transcript's 3' end. VCF-style (leftmost placement, unchanged base first): chr7-76432993-AGAG-A. GRCh37 (hg19) VCF-style: chr7-76062310-AGAG-A.
Other names: c.346GAG[1], p.Glu117del (NM_007155.6); c.502_504delGAG (NM_001110354.2); c.502_504del (NM_001110354.2); short protein forms E117del, E168del.
Identifiers: ClinVar variation 1285239 (VCV001285239.4), dbSNP rs2115914145, ClinGen allele CA2580615901.

ClinVar aggregate classification (germline): Likely pathogenic. Review status: criteria provided, single submitter (1 of 4 stars). 2 submissions from 2 submitters: Likely pathogenic (1). 1 of the submissions does not count toward it.

Conditions:
Empty ovarian follicle. Identifiers: MedGen C4476946, HP:0031067.
Oocyte maturation defect 3. Also called: OOCYTE/ZYGOTE/EMBRYO MATURATION ARREST 3. Identifiers: MedGen C4540205, MONDO:0021574, OMIM 617712.

Submissions (2):

Juno Genomics, Hangzhou Juno Genomics, Inc
Classification: Likely pathogenic for Oocyte maturation defect 3. Review status: criteria provided, single submitter. Criteria: ACMG Guidelines, 2015. Collection method: clinical testing. Allele origin: germline. Affected: yes.
Comment: Absent from controls (or at extremely low frequency if recessive) in Genome Aggregation Database.;Protein length changes due to in-frame deletions/insertions in a non-repeat region or stop-loss variants.;The prevalence of the variant in affected individuals is significantly increased compared to the prevalence in controls.;Patient's phenotype or family history is highly specific for a disease with a single genetic etiology.;Well-established in vitro or in vivo functional studies supportive of a damaging effect on the gene or gene product.

Dept of Reproduction and Endocrinology, The Sixth Affiliated Hospital of Sun Yat-sen University
Classification: Pathogenic for Empty ovarian follicle. Last evaluated: 2020-09-04. Review status: no assertion criteria provided. Collection method: clinical testing. Allele origin: paternal. Inheritance: Autosomal dominant inheritance with paternal imprinting. Affected: yes. Observed: 1 heterozygote. Not counted in ClinVar's aggregate classification.

Literature cited by the submitters: PubMed 34816529 (cited by Dept of Reproduction and Endocrinology, The Sixth Affiliated Hospital of Sun Yat-sen University); PubMed 33140178 (cited by Dept of Reproduction and Endocrinology, The Sixth Affiliated Hospital of Sun Yat-sen University); PubMed 22889493 (cited by Dept of Reproduction and Endocrinology, The Sixth Affiliated Hospital of Sun Yat-sen University); PubMed 19246320 (cited by Dept of Reproduction and Endocrinology, The Sixth Affiliated Hospital of Sun Yat-sen University).